The following is an entry in ClinVar:

ClinVar aggregate classification (germline): Uncertain significance. Review status: criteria provided, multiple submitters, no conflicts (2 of 4 stars). 2 submissions from 2 submitters: Uncertain significance (2). Last evaluated 2025-10-08.

Allele frequency attached by ClinVar (database versions not stated): gnomAD exomes below 0.00001; ExAC 0.00001.
gnomAD v4.1: 4 of 1,614,160 alleles (0.00025%); highest among the groups gnomAD compares: Non-Finnish European, 0.00034%; no homozygotes.

Submissions (2):

GeneDx
Classification: Uncertain significance. Last evaluated: 2025-10-08. Review status: criteria provided, single submitter. Criteria: GeneDx Variant Classification Process June 2021. Collection method: clinical testing. Allele origin: germline. Affected: yes.
Comment: Not observed at significant frequency in large population cohorts (gnomAD); In silico analysis suggests that this missense variant does not alter protein structure/function; Has not been previously published as pathogenic or benign to our knowledge

Ambry Genetics
Classification: Uncertain significance. Last evaluated: 2024-06-18. Review status: criteria provided, single submitter. Criteria: Ambry Variant Classification Scheme 2023. Collection method: clinical testing. Allele origin: germline.

NM_019014.6(POLR1B):c.2903C>G (p.Ala968Gly)

Gene: POLR1B (RNA polymerase I subunit B; plus strand). Cytogenetic location: 2q14.1.
Variant type: single nucleotide variant.
Coding change: c.2903C>G on transcript NM_019014.6 (MANE Select); coding-DNA position 2903, C replaced by G.
Protein change: p.Ala968Gly; replaces alanine 968 with glycine.
Molecular consequence: missense variant.
Genome position (GRCh38, 1-based): chr2:112,575,224, C>G. VCF-style: chr2-112575224-C-G. GRCh37 (hg19) VCF-style: chr2-113332801-C-G.
Other names: c.2735C>G, p.Ala912Gly (NM_001137604.3, NM_032212.2); c.3017C>G, p.Ala1006Gly (NM_001282772.2); c.2354C>G, p.Ala785Gly (NM_001282774.2); c.2270C>G, p.Ala757Gly (NM_001282776.2, NM_001371971.1); c.2486C>G, p.Ala829Gly (NM_001282777.2, NM_001282779.2, NM_001371970.1); c.3041C>G, p.Ala1014Gly (NM_001371969.1); c.2903C>G (NM_019014.4); short protein forms A1006G, A1014G, A757G, A785G, A829G, A912G, A968G.
Identifiers: ClinVar variation 2504300 (VCV002504300.3), dbSNP rs746590764, ClinGen allele CA1835394.